The following is an entry in ClinVar:

ClinVar aggregate classification (germline): Pathogenic (1 of 4 stars; one submission).

Submission:

GeneDx
Classification: Pathogenic. Last evaluated: 2015-03-26. Review status: criteria provided, single submitter. Criteria: GeneDx Variant Classification (06012015). Collection method: clinical testing. Allele origin: germline. Affected: yes.
Comment: The c.1221_1222delGCinsT variant in the MYT1L gene has not been reported previously as apathogenic variant nor as a benign polymorphism, to our knowledge. The c.1221_1222delGCinsTvariant causes a frameshift starting with a Glutamic acid codon, changes this to an Aspartic acid residue,and creates a premature Stop codon at position 9 of the new reading frame, denoted p.Glu407AspfsX9. Thisvariant is predicted to cause loss of normal protein function either through protein truncation or nonsense-mediated mRNA decay. The c.1221_1222delGCinsT variant was not observed in approximately 6400individuals of European and African American ancestry in the NHLBI Exome Sequencing Project, indicating it is not a common benign variant in these populations. We interpret c.1221_1222delGCinsT as a pathogenic variant.

NM_001303052.2(MYT1L):c.1221_1222delinsT (p.Glu407fs)

Gene: MYT1L (myelin transcription factor 1 like; minus strand). Cytogenetic location: 2p25.3.
Variant type: Indel.
Coding change: c.1221_1222delinsT on transcript NM_001303052.2 (MANE Select); coding-DNA positions 1221 to 1222, GC replaced by T.
Protein change: p.Glu407fs; shifts the reading frame from glutamic acid 407.
Molecular consequence: frameshift variant.
Genome position (GRCh38, 1-based): chr2:1,922,547-1,922,548, GC replaced by A on the plus strand (GC replaced by T on the coding strand, the reverse complement: MYT1L is on the minus strand). VCF-style: chr2-1922547-GC-A. GRCh37 (hg19) VCF-style: chr2-1926319-GC-A.
Other names: c.1221_1222delinsT, p.Glu407fs (NM_001329844.2, NM_001329845.1, NM_001329846.3 and 6 more transcripts); short protein forms E407fs.
Identifiers: ClinVar variation 418814 (VCV000418814.1), dbSNP rs1064793449, ClinGen allele CA16617406.